The following is an entry in ClinVar:

ClinVar aggregate classification (germline): Pathogenic. Review status: criteria provided, single submitter (1 of 4 stars). 4 submissions from 4 submitters: Pathogenic (1). 3 of the submissions do not count toward it. Last evaluated 2024-09-07.

Conditions:
PURA-related severe neonatal hypotonia-seizures-encephalopathy syndrome (NEDRIHF). Also called: NEURODEVELOPMENTAL DISORDER WITH NEONATAL RESPIRATORY INSUFFICIENCY, HYPOTONIA, AND FEEDING DIFFICULTIES; PURA-Related Neurodevelopmental Disorders. Identifiers: Orphanet 438213, Orphanet 438216, MedGen C4015357, MONDO:1060108, OMIM 616158, MONDO:0018580.
Neonatal hypotonia. Identifiers: MedGen C2267233, HP:0001319.
Global developmental delay (DD). Also called: Cognitive delay. Identifiers: MedGen C0557874, HP:0001263. Disease mechanism: loss of function.
Intellectual disability. Also called: Intellectual developmental disorder; Intellectual functioning disability; intellectual disabilities. Identifiers: MedGen C3714756, MeSH D008607, MONDO:0001071, HP:0001249.
Delayed speech and language development. Also called: Language delay. Identifiers: MedGen C0454644, HP:0000750.
Seizure. Also called: Seizures. Identifiers: MedGen C0036572, HP:0001250.

Submissions (4):

GeneDx
Classification: Pathogenic. Last evaluated: 2024-09-07. Review status: criteria provided, single submitter. Criteria: GeneDx Variant Classification Process June 2021. Collection method: clinical testing. Allele origin: germline. Affected: yes.
Comment: Not observed at significant frequency in large population cohorts (gnomAD); In silico analysis supports that this missense variant has a deleterious effect on protein structure/function; This variant is associated with the following publications: (PMID: 26744780, 33633953, 28448108, 37563452, 35982159, 27148565, 33057194, 25439098, 29097605)

OMIM
Classification: Pathogenic for NEURODEVELOPMENTAL DISORDER WITH NEONATAL RESPIRATORY INSUFFICIENCY, HYPOTONIA, AND FEEDING DIFFICULTIES. Last evaluated: 2014-11-06. Review status: no assertion criteria provided. Collection method: literature only. Allele origin: germline. Not counted in ClinVar's aggregate classification.

Whole genome laboratory; Baylor College of Medicine
Classification: Pathogenic for Neonatal hypotonia; Delayed speech and language development; Intellectual disability; Global developmental delay; Seizures. Last evaluated: 2014-09-15. Review status: no assertion criteria provided. Collection method: clinical testing. Allele origin: germline. Affected: yes. Observed: 1 variant allele. Study: Clinical exome sequencing test. Not counted in ClinVar's aggregate classification.
Comment: Sporadic neonatal hypotonia, developmental delay, speech impairment, sleep apnea, and intellectual disability

GeneReviews
No classification provided. Condition: PURA-related severe neonatal hypotonia-seizures-encephalopathy syndrome. Review status: no classification provided. Collection method: literature only. Allele origin: germline. Not counted in ClinVar's aggregate classification.

Literature cited by the submitters: PubMed 25439098 (cited by OMIM); NCBI Bookshelf NBK426063 (cited by GeneReviews); PubMed 28448108 (cited by GeneReviews).

NM_005859.5(PURA):c.289A>G (p.Lys97Glu)

Gene: PURA (purine rich element binding protein A; plus strand). Cytogenetic location: 5q31.3.
Variant type: single nucleotide variant.
Coding change: c.289A>G on transcript NM_005859.5 (MANE Select); coding-DNA position 289, A replaced by G.
Protein change: p.Lys97Glu; replaces lysine 97 with glutamic acid.
Molecular consequence: missense variant.
Genome position (GRCh38, 1-based): chr5:140,114,470, A>G. VCF-style: chr5-140114470-A-G. GRCh37 (hg19) VCF-style: chr5-139494055-A-G.
Other names: short protein forms K97E.
Identifiers: ClinVar variation 156406 (VCV000156406.5), dbSNP rs587782994, ClinGen allele CA174994.